The following is an entry in ClinVar:

NM_024675.4(PALB2):c.1828A>G (p.Thr610Ala)

Gene: PALB2 (partner and localizer of BRCA2; minus strand). Cytogenetic location: 16p12.2.
Variant type: single nucleotide variant.
Coding change: c.1828A>G on transcript NM_024675.4 (MANE Select); coding-DNA position 1828, A replaced by G.
Protein change: p.Thr610Ala; replaces threonine 610 with alanine.
Molecular consequence: missense variant.
Genome position (GRCh38, 1-based): chr16:23,630,326, T>C on the plus strand (A>G on the coding strand, the complement: PALB2 is on the minus strand). VCF-style: chr16-23630326-T-C. GRCh37 (hg19) VCF-style: chr16-23641647-T-C.
Other names: short protein forms T610A.
Identifiers: ClinVar variation 1015701 (VCV001015701.7), dbSNP rs1555460632, ClinGen allele CA395127937.

ClinVar aggregate classification (germline): Uncertain significance (1 of 4 stars; one submission).

Conditions:
Familial cancer of breast. Also called: BREAST CANCER, FAMILIAL; Hereditary breast cancer; hereditary breast carcinoma. Identifiers: Orphanet 227535, MedGen C0346153, MONDO:0016419, OMIM 114480. Disease mechanism: loss of function.

Submission:

Labcorp Genetics (formerly Invitae), Labcorp
Classification: Uncertain significance for Familial cancer of breast. Last evaluated: 2022-07-19. Review status: criteria provided, single submitter. Criteria: Invitae Variant Classification Sherloc (09022015). Collection method: clinical testing. Allele origin: germline.
Comment: In summary, the available evidence is currently insufficient to determine the role of this variant in disease. Therefore, it has been classified as a Variant of Uncertain Significance. Algorithms developed to predict the effect of missense changes on protein structure and function output the following: SIFT: "Tolerated"; PolyPhen-2: "Possibly Damaging"; Align-GVGD: "Class C0". The alanine amino acid residue is found in multiple mammalian species, which suggests that this missense change does not adversely affect protein function. ClinVar contains an entry for this variant (Variation ID: 1015701). This variant has not been reported in the literature in individuals affected with PALB2-related conditions. This variant is not present in population databases (gnomAD no frequency). This sequence change replaces threonine, which is neutral and polar, with alanine, which is neutral and non-polar, at codon 610 of the PALB2 protein (p.Thr610Ala).